The following is an entry in ClinVar:

NM_001127511.3(APC):c.112A>G (p.Thr38Ala)

Gene: APC (APC regulator of Wnt signaling pathway; plus strand). Cytogenetic location: 5q22.2.
Variant type: single nucleotide variant.
Coding change: c.112A>G on transcript NM_001127511.3; coding-DNA position 112, A replaced by G.
Protein change: p.Thr38Ala; replaces threonine 38 with alanine.
Molecular consequence: missense variant. On other transcripts: 5 prime UTR variant (8), non-coding transcript variant (1), intron variant (5).
Genome position (GRCh38, 1-based): chr5:112,707,829, A>G. VCF-style: chr5-112707829-A-G. GRCh37 (hg19) VCF-style: chr5-112043526-A-G.
Other names: c.-72A>G (NM_001354895.2, NM_001407447.1, NM_001407452.1 and 3 more transcripts); c.112A>G, p.Thr38Ala (NM_001354897.2, NM_001354902.2, NM_001407446.1); c.-1107A>G (NM_001407470.1, NM_001407472.1); c.-19+180A>G (NM_001407448.1, NM_001407450.1, NM_001407457.1 and 1 more transcripts); c.-43+180A>G (NM_001407453.1); short protein forms T38A.
Identifiers: ClinVar variation 4729219 (VCV004729219.1).

ClinVar aggregate classification (germline): Uncertain significance (1 of 4 stars; one submission).

Conditions:
Familial adenomatous polyposis 1 (FAP1). Also called: POLYPOSIS, ADENOMATOUS INTESTINAL; FAMILIAL ADENOMATOUS POLYPOSIS 1, ATTENUATED. Identifiers: MedGen C2713442, MONDO:0021056, OMIM 175100. Disease mechanism: loss of function.

Submission:

Labcorp Genetics (formerly Invitae), Labcorp
Classification: Uncertain significance for Familial adenomatous polyposis 1. Last evaluated: 2025-10-14. Review status: criteria provided, single submitter. Criteria: Invitae Variant Classification Sherloc (09022015). Collection method: clinical testing. Allele origin: germline.
Comment: This variant occurs in a non-coding region of the APC gene. It does not change the encoded amino acid sequence of the APC protein. This variant is not present in population databases (gnomAD no frequency). This variant has not been reported in the literature in individuals affected with APC-related conditions. Experimental studies and prediction algorithms are not available or were not evaluated, and the functional significance of this variant is currently unknown. In summary, the available evidence is currently insufficient to determine the role of this variant in disease. Therefore, it has been classified as a Variant of Uncertain Significance.